The following is an entry in ClinVar:

NM_001372044.2(SHANK3):c.4151C>G (p.Pro1384Arg)

Gene: SHANK3 (SH3 and multiple ankyrin repeat domains 3; plus strand). Cytogenetic location: 22q13.33.
Variant type: single nucleotide variant.
Coding change: c.4151C>G on transcript NM_001372044.2 (MANE Select); coding-DNA position 4151, C replaced by G.
Protein change: p.Pro1384Arg; replaces proline 1384 with arginine.
Molecular consequence: missense variant.
Genome position (GRCh38, 1-based): chr22:50,721,759, C>G. VCF-style: chr22-50721759-C-G. GRCh37 (hg19) VCF-style: chr22-51160187-C-G.
Other names: c.3926C>G (NM_033517.1); short protein forms P1384R.
Identifiers: ClinVar variation 3901410 (VCV003901410.1).

ClinVar aggregate classification (germline): Uncertain significance (1 of 4 stars; one submission).

Submission:

GeneDx
Classification: Uncertain significance. Last evaluated: 2024-12-07. Review status: criteria provided, single submitter. Criteria: GeneDx Variant Classification Process June 2021. Collection method: clinical testing. Allele origin: germline. Affected: yes.
Comment: Not observed at significant frequency in large population cohorts (gnomAD); In silico analysis supports that this missense variant has a deleterious effect on protein structure/function; Has not been previously published as pathogenic or benign to our knowledge